The following is an entry in ClinVar:

NM_024301.5(FKRP):c.682C>T (p.Leu228Phe)

Gene: FKRP (fukutin related protein; plus strand). Cytogenetic location: 19q13.32.
Variant type: single nucleotide variant.
Coding change: c.682C>T on transcript NM_024301.5 (MANE Select); coding-DNA position 682, C replaced by T.
Protein change: p.Leu228Phe; replaces leucine 228 with phenylalanine.
Molecular consequence: missense variant.
Genome position (GRCh38, 1-based): chr19:46,756,132, C>T. VCF-style: chr19-46756132-C-T. GRCh37 (hg19) VCF-style: chr19-47259389-C-T.
Other names: c.682C>T, p.Leu228Phe (NM_001039885.3); c.682C>T (NM_024301.4); short protein forms L228F.
Identifiers: ClinVar variation 290929 (VCV000290929.8), dbSNP rs886044590, ClinGen allele CA10606946.

ClinVar aggregate classification (germline): Uncertain significance. Review status: criteria provided, multiple submitters, no conflicts (2 of 4 stars). 3 submissions from 3 submitters: Uncertain significance (3). Last evaluated 2025-10-12.

Conditions:
Cardiovascular phenotype. Identifiers: MedGen CN230736.
Walker-Warburg congenital muscular dystrophy. Also called: Muscular dystrophy-dystroglycanopathy, type A; Walker-Warburg syndrome. Identifiers: Orphanet 899, MedGen C0265221, MONDO:0000171.

Allele frequency attached by ClinVar (database versions not stated): gnomAD exomes 0.00001; TOPMed 0.00001.
gnomAD v4.1: 1 of 1,499,704 alleles (0.000067%); highest among the groups gnomAD compares: Admixed American, 0.0022%; no homozygotes.

Submissions (3):

Labcorp Genetics (formerly Invitae), Labcorp
Classification: Uncertain significance for Walker-Warburg congenital muscular dystrophy. Last evaluated: 2025-10-12. Review status: criteria provided, single submitter. Criteria: Invitae Variant Classification Sherloc (09022015). Collection method: clinical testing. Allele origin: germline.
Comment: This sequence change replaces leucine, which is neutral and non-polar, with phenylalanine, which is neutral and non-polar, at codon 228 of the FKRP protein (p.Leu228Phe). This variant is present in population databases (no rsID available, gnomAD 0.006%). This variant has not been reported in the literature in individuals affected with FKRP-related conditions. ClinVar contains an entry for this variant (Variation ID: 290929). Invitae Evidence Modeling of protein sequence and biophysical properties (such as structural, functional, and spatial information, amino acid conservation, physicochemical variation, residue mobility, and thermodynamic stability) indicates that this missense variant is not expected to disrupt FKRP protein function with a negative predictive value of 80%. In summary, the available evidence is currently insufficient to determine the role of this variant in disease. Therefore, it has been classified as a Variant of Uncertain Significance.

Ambry Genetics
Classification: Uncertain significance for Cardiovascular phenotype. Last evaluated: 2025-06-07. Review status: criteria provided, single submitter. Criteria: Ambry Variant Classification Scheme 2023. Collection method: clinical testing. Allele origin: germline.

Eurofins Ntd Llc (ga)
Classification: Uncertain significance. Last evaluated: 2016-08-24. Review status: criteria provided, single submitter. Criteria: EGL Classification Definitions 2015. Collection method: clinical testing. Allele origin: germline. Observed: 1 variant allele, 1 heterozygote.